The following is an entry in ClinVar:

ClinVar aggregate classification (germline): Conflicting classifications of pathogenicity. Review status: criteria provided, conflicting classifications (1 of 4 stars). 9 submissions from 7 submitters: Uncertain significance (8); Benign (1). Last evaluated 2026-07-27.

Conditions:
Inborn genetic diseases. Identifiers: MedGen C0950123, MeSH D030342.
SETX-related disorder. Also called: SETX-related disorders; SETX-related condition. Identifiers: MedGen CN239403.
Spinocerebellar ataxia, autosomal recessive, with axonal neuropathy 2 (SCAN2). Also called: Ataxia with Oculomotor Apraxia; ATAXIA-OCULOMOTOR APRAXIA 2; Ataxia-ocular apraxia-2; Ataxia with Oculomotor Apraxia Type 2. Identifiers: Orphanet 64753, MedGen C1853761, MONDO:0018996, OMIM 606002.
Amyotrophic lateral sclerosis type 4 (ALS4). Also called: NEURONOPATHY, DISTAL HEREDITARY MOTOR, WITH PYRAMIDAL FEATURES; AMYOTROPHIC LATERAL SCLEROSIS 4, JUVENILE. Identifiers: Orphanet 357043, MedGen C1865409, MONDO:0011223, OMIM 602433.

Allele frequency attached by ClinVar (database versions not stated): ExAC 0.00001; gnomAD exomes 0.00002 and 0.00004; gnomAD 0.00003; TOPMed 0.00003.
gnomAD v4.1: 66 of 1,613,758 alleles (0.0041%); highest among the groups gnomAD compares: African/African-American, 0.008%; no homozygotes.

Submissions (9):

PreventionGenetics, part of Exact Sciences
Classification: Uncertain significance for SETX-related condition. Last evaluated: 2026-07-27. Review status: criteria provided, single submitter. Criteria: ACMG Guidelines, 2015. Collection method: clinical testing. Allele origin: germline.
Comment: The SETX c.806C>T variant is predicted to result in the amino acid substitution p.Ser269Leu. This variant has been reported in an individual with amyotrophic lateral sclerosis (Table S7, Couthouis et al. 2014. PubMed ID: 25299611) and in an individual with sporadic ataxia (Ngo et al. 2019. PubMed ID: 31692161). However, evidence to support pathogenicity for this variant was not provided. This variant is reported in 0.0062% of alleles in individuals of African descent in gnomAD. At this time, the clinical significance of this variant is uncertain due to the absence of conclusive functional and genetic evidence.

Labcorp Genetics (formerly Invitae), Labcorp
Classification: Benign for Amyotrophic lateral sclerosis type 4; Spinocerebellar ataxia, autosomal recessive, with axonal neuropathy 2. Last evaluated: 2025-04-11. Review status: criteria provided, single submitter. Criteria: Invitae Variant Classification Sherloc (09022015). Collection method: clinical testing. Allele origin: germline.

Genome-Nilou Lab
Classification: Uncertain significance for Spinocerebellar ataxia, autosomal recessive, with axonal neuropathy 2. Last evaluated: 2023-02-08. Review status: criteria provided, single submitter. Criteria: ACMG Guidelines, 2015. Collection method: clinical testing. Allele origin: germline.

Genome-Nilou Lab
Classification: Uncertain significance for Amyotrophic lateral sclerosis type 4. Last evaluated: 2023-02-08. Review status: criteria provided, single submitter. Criteria: ACMG Guidelines, 2015. Collection method: clinical testing. Allele origin: germline.

AiLife Diagnostics
Classification: Uncertain significance. Last evaluated: 2022-02-18. Review status: criteria provided, single submitter. Criteria: ACMG Guidelines, 2015. Collection method: clinical testing. Allele origin: germline. Affected: yes. Observed: 1 variant allele.

Ambry Genetics
Classification: Uncertain significance for Inborn genetic diseases. Last evaluated: 2020-03-18. Review status: criteria provided, single submitter. Criteria: Ambry Variant Classification Scheme 2023. Collection method: clinical testing. Allele origin: germline.
Comment: The p.S269L variant (also known as c.806C>T), located in coding exon 5 of the SETX gene, results from a C to T substitution at nucleotide position 806. The serine at codon 269 is replaced by leucine, an amino acid with dissimilar properties. This amino acid position is not well conserved in available vertebrate species, and leucine is the reference amino acid in other vertebrate species. In addition, this alteration is predicted to be tolerated by in silico analysis. Since supporting evidence is limited at this time, the clinical significance of this alteration remains unclear.

Illumina Laboratory Services, Illumina
Classification: Uncertain significance for Amyotrophic lateral sclerosis type 4. Last evaluated: 2017-04-27. Review status: criteria provided, single submitter. Criteria: ICSL Variant Classification Criteria 13 December 2019. Collection method: clinical testing. Allele origin: germline.
Comment: This variant was observed as part of a predisposition screen in an ostensibly healthy population. A literature search was performed for the gene, cDNA change, and amino acid change (where applicable). Publications were found based on this search. However, the evidence from the literature, in combination with allele frequency data from public databases where available, was not sufficient to rule this variant in or out of causing disease. Therefore, this variant is classified as a variant of unknown significance.

Illumina Laboratory Services, Illumina
Classification: Uncertain significance for Spinocerebellar ataxia, autosomal recessive, with axonal neuropathy 2. Last evaluated: 2017-04-27. Review status: criteria provided, single submitter. Criteria: ICSL Variant Classification Criteria 13 December 2019. Collection method: clinical testing. Allele origin: germline.

Athena Diagnostics
Classification: Uncertain significance. Last evaluated: 2016-11-09. Review status: criteria provided, single submitter. Criteria: Athena Diagnostics Criteria. Collection method: clinical testing. Allele origin: germline.

Literature cited by the submitters: PubMed 25299611 (cited by 3 submitters); PubMed 31692161 (cited by AiLife Diagnostics).

NM_015046.7(SETX):c.806C>T (p.Ser269Leu)

Gene: SETX (senataxin; minus strand). Cytogenetic location: 9q34.13.
Variant type: single nucleotide variant.
Coding change: c.806C>T on transcript NM_015046.7 (MANE Select); coding-DNA position 806, C replaced by T.
Protein change: p.Ser269Leu; replaces serine 269 with leucine.
Molecular consequence: missense variant.
Genome position (GRCh38, 1-based): chr9:132,334,640, G>A on the plus strand (C>T on the coding strand, the complement: SETX is on the minus strand). VCF-style: chr9-132334640-G-A. GRCh37 (hg19) VCF-style: chr9-135210027-G-A.
Other names: c.806C>T, p.Ser269Leu (NM_001351527.2, NM_001351528.2); short protein forms S269L.
Identifiers: ClinVar variation 448351 (VCV000448351.20), dbSNP rs757988188, ClinGen allele CA5297936.